The following is an entry in ClinVar:

ClinVar aggregate classification (germline): Uncertain significance (1 of 4 stars; one submission).

gnomAD v4.1: 3 of 1,613,750 alleles (0.00019%); highest among the groups gnomAD compares: Non-Finnish European, 0.00025%; no homozygotes.

Submission:

Labcorp Genetics (formerly Invitae), Labcorp
Classification: Uncertain significance. Last evaluated: 2024-03-03. Review status: criteria provided, single submitter. Criteria: Invitae Variant Classification Sherloc (09022015). Collection method: clinical testing. Allele origin: germline.
Comment: This sequence change falls in intron 31 of the COL7A1 gene. It does not directly change the encoded amino acid sequence of the COL7A1 protein. It affects a nucleotide within the consensus splice site. This variant is not present in population databases (gnomAD no frequency). This variant has not been reported in the literature in individuals affected with COL7A1-related conditions. Variants that disrupt the consensus splice site are a relatively common cause of aberrant splicing (PMID: 17576681, 9536098). Algorithms developed to predict the effect of sequence changes on RNA splicing suggest that this variant is not likely to affect RNA splicing. In summary, the available evidence is currently insufficient to determine the role of this variant in disease. Therefore, it has been classified as a Variant of Uncertain Significance.

Literature cited by the submitters: PubMed 17576681; PubMed 9536098.

NM_000094.4(COL7A1):c.3894+3G>A

Gene: COL7A1 (collagen type VII alpha 1 chain; minus strand). Cytogenetic location: 3p21.31.
Variant type: single nucleotide variant.
Coding change: c.3894+3G>A on transcript NM_000094.4 (MANE Select); 3 bases into the intron after coding-DNA position 3894, G replaced by A.
Molecular consequence: intron variant.
Genome position (GRCh38, 1-based): chr3:48,585,554, C>T on the plus strand (G>A on the coding strand, the complement: COL7A1 is on the minus strand). VCF-style: chr3-48585554-C-T. GRCh37 (hg19) VCF-style: chr3-48622987-C-T.
Identifiers: ClinVar variation 3697367 (VCV003697367.2).